The following is an entry in ClinVar:

NM_002207.3(ITGA9):c.1662G>A (p.Thr554=)

Gene: ITGA9 (integrin subunit alpha 9; plus strand). Cytogenetic location: 3p22.2.
Variant type: single nucleotide variant.
Coding change: c.1662G>A on transcript NM_002207.3 (MANE Select); coding-DNA position 1662, G replaced by A.
Protein change: p.Thr554=; no amino-acid change (threonine 554 retained).
Molecular consequence: synonymous variant.
Genome position (GRCh38, 1-based): chr3:37,542,558, G>A. VCF-style: chr3-37542558-G-A. GRCh37 (hg19) VCF-style: chr3-37584049-G-A.
Identifiers: ClinVar variation 702040 (VCV000702040.6), dbSNP rs17827605, ClinGen allele CA2310856.

ClinVar aggregate classification (germline): Benign. Review status: criteria provided, multiple submitters, no conflicts (2 of 4 stars). 3 submissions from 3 submitters: Benign (2). 1 of the submissions does not count toward it. Last evaluated 2018-06-08.

Conditions:
ITGA9-related disorder. Also called: ITGA9-related condition.

Allele frequency attached by ClinVar (database versions not stated): 1000 Genomes Project 0.00619; ExAC 0.00966; TOPMed 0.00988; ESP Exome Variant Server 0.01046; gnomAD 0.01094 and 0.01121.
gnomAD v4.1: 23,299 of 1,614,124 alleles (1.4%); highest among the groups gnomAD compares: Non-Finnish European, 1.8%; 229 homozygotes.

Submissions (3):

Labcorp Genetics (formerly Invitae), Labcorp
Classification: Benign. Last evaluated: 2018-06-08. Review status: criteria provided, single submitter. Criteria: Invitae Variant Classification Sherloc (09022015). Collection method: clinical testing. Allele origin: germline.

Breakthrough Genomics
Classification: Benign. Review status: criteria provided, single submitter. Criteria: ACMG Guidelines, 2015. Collection method: not provided. Allele origin: germline. Inheritance: Unknown mechanism. Affected: yes.

PreventionGenetics, part of Exact Sciences
Classification: Benign for ITGA9-related condition. Last evaluated: 2019-02-19. Review status: no assertion criteria provided. Collection method: clinical testing. Allele origin: germline. Not counted in ClinVar's aggregate classification.
Comment: This variant is classified as benign based on ACMG/AMP sequence variant interpretation guidelines (Richards et al. 2015 PMID: 25741868, with internal and published modifications).